The following is an entry in ClinVar:

ClinVar aggregate classification (germline): Likely pathogenic (1 of 4 stars; one submission).

Conditions:
Autosomal recessive limb-girdle muscular dystrophy type 2J (LGMDR10). Also called: Limb-girdle muscular dystrophy, type 2J; MUSCULAR DYSTROPHY, LIMB-GIRDLE, AUTOSOMAL RECESSIVE 10. Identifiers: Orphanet 140922, MedGen C1837342, MONDO:0012127, OMIM 608807.
Dilated cardiomyopathy 1G (CMD1G). Identifiers: Orphanet 154, MedGen C1858763, MONDO:0011400, OMIM 604145.

Submission:

Labcorp Genetics (formerly Invitae), Labcorp
Classification: Likely pathogenic for Dilated cardiomyopathy 1G; Autosomal recessive limb-girdle muscular dystrophy type 2J. Last evaluated: 2025-12-15. Review status: criteria provided, single submitter. Criteria: Invitae Variant Classification Sherloc (09022015). Collection method: clinical testing. Allele origin: germline.
Comment: This sequence change creates a premature translational stop signal (p.Tyr27281*) in the TTN gene. While this is not anticipated to result in nonsense mediated decay, it is expected to create a truncated TTN protein. This variant is not present in population databases (gnomAD no frequency). This variant has not been reported in the literature in individuals affected with TTN-related conditions. This variant is located in the A band of TTN (PMID: 25589632). Truncating variants in this region are significantly overrepresented in patients affected with dilated cardiomyopathy (PMID: 25589632). Truncating variants in this region have also been reported in individuals affected with autosomal recessive centronuclear myopathy (PMID: 23975875). In summary, the currently available evidence indicates that the variant is pathogenic, but additional data are needed to prove that conclusively. Therefore, this variant has been classified as Likely Pathogenic.

Literature cited by the submitters: PubMed 25589632; PubMed 23975875.

NM_001267550.2(TTN):c.81843T>G (p.Tyr27281Ter)

Genes: TTN (titin; minus strand), TTN-AS1 (TTN antisense RNA 1; plus strand). Cytogenetic location: 2q31.2.
Variant type: single nucleotide variant.
Coding change: c.81843T>G on transcript NM_001267550.2 (MANE Select); coding-DNA position 81843, T replaced by G.
Protein change: p.Tyr27281Ter; replaces tyrosine 27281 with a stop codon.
Molecular consequence: nonsense.
Genome position (GRCh38, 1-based): chr2:178,564,289, A>C on the plus strand (T>G on the coding strand, the complement: TTN is on the minus strand). VCF-style: chr2-178564289-A-C. GRCh37 (hg19) VCF-style: chr2-179429016-A-C.
Other names: c.76920T>G, p.Tyr25640Ter (NM_001256850.1); c.54648T>G, p.Tyr18216Ter (NM_003319.4); c.74139T>G, p.Tyr24713Ter (NM_133378.4); c.55023T>G, p.Tyr18341Ter (NM_133432.3); c.55224T>G, p.Tyr18408Ter (NM_133437.4); short protein forms Y18216*, Y18408*, Y24713*, Y27281*, Y18341*, Y25640*.
Identifiers: ClinVar variation 4786869 (VCV004786869.1).